The following is an entry in ClinVar:

ClinVar aggregate classification (germline): Pathogenic. Review status: criteria provided, multiple submitters, no conflicts (2 of 4 stars). 2 submissions from 2 submitters: Pathogenic (2). Last evaluated 2023-01-24.

Conditions:
KBG syndrome (KBGS). Also called: ANKRD11-Related KBG Syndrome. Identifiers: Orphanet 2332, MedGen C0220687, MONDO:0007846, OMIM 148050.

Submissions (2):

Labcorp Genetics (formerly Invitae), Labcorp
Classification: Pathogenic for KBG syndrome. Last evaluated: 2023-01-24. Review status: criteria provided, single submitter. Criteria: Invitae Variant Classification Sherloc (09022015). Collection method: clinical testing. Allele origin: germline.
Comment: This sequence change creates a premature translational stop signal (p.Tyr659*) in the ANKRD11 gene. It is expected to result in an absent or disrupted protein product. Loss-of-function variants in ANKRD11 are known to be pathogenic (PMID: 21782149, 25125236, 25413698, 25652421). This variant is not present in population databases (gnomAD no frequency). This premature translational stop signal has been observed in individual(s) with KBG syndrome (PMID: 32124548, 33955014). ClinVar contains an entry for this variant (Variation ID: 870867). For these reasons, this variant has been classified as Pathogenic.

CeGaT Center for Human Genetics Tuebingen
Classification: Pathogenic. Last evaluated: 2018-03-01. Review status: criteria provided, single submitter. Criteria: CeGaT Center For Human Genetics Tuebingen Variant Classification Criteria Version 2. Collection method: clinical testing. Allele origin: germline. Affected: yes. Observed: 1 variant allele.

Literature cited by the submitters: PubMed 21782149 (cited by Labcorp Genetics (formerly Invitae), Labcorp); PubMed 25125236 (cited by Labcorp Genetics (formerly Invitae), Labcorp); PubMed 25413698 (cited by Labcorp Genetics (formerly Invitae), Labcorp); PubMed 25652421 (cited by Labcorp Genetics (formerly Invitae), Labcorp); PubMed 32124548 (cited by Labcorp Genetics (formerly Invitae), Labcorp); PubMed 33955014 (cited by Labcorp Genetics (formerly Invitae), Labcorp).

NM_013275.6(ANKRD11):c.1976dup (p.Tyr659Ter)

Gene: ANKRD11 (ankyrin repeat domain 11; minus strand). Cytogenetic location: 16q24.3.
Variant type: Duplication.
Coding change: c.1976dup on transcript NM_013275.6 (MANE Select); coding-DNA position 1976, one base duplicated (A; older notation c.1976dupA).
Protein change: p.Tyr659Ter; replaces tyrosine 659 with a stop codon.
Molecular consequence: nonsense.
Genome position (GRCh38, 1-based): chr16:89,284,566, T duplicated on the plus strand (A on the coding strand, the reverse complement: ANKRD11 is on the minus strand). VCF-style (leftmost placement, unchanged base first): chr16-89284565-G-GT. GRCh37 (hg19) VCF-style: chr16-89350973-G-GT.
Other names: c.1976dup, p.Tyr659Ter (NM_001256182.2, NM_001256183.2); short protein forms Y659*.
Identifiers: ClinVar variation 870867 (VCV000870867.44), dbSNP rs2034511189, ClinGen allele CA1139664893.